The following is an entry in ClinVar:

ClinVar aggregate classification (germline): Uncertain significance (1 of 4 stars; one submission).

Submission:

Labcorp Genetics (formerly Invitae), Labcorp
Classification: Uncertain significance. Last evaluated: 2023-10-09. Review status: criteria provided, single submitter. Criteria: Invitae Variant Classification Sherloc (09022015). Collection method: clinical testing. Allele origin: germline.
Comment: This sequence change replaces cysteine, which is neutral and slightly polar, with tryptophan, which is neutral and slightly polar, at codon 2348 of the ACAN protein (p.Cys2348Trp). This variant is not present in population databases (gnomAD no frequency). This variant has not been reported in the literature in individuals affected with ACAN-related conditions. An algorithm developed to predict the effect of missense changes on protein structure and function (PolyPhen-2) suggests that this variant is likely to be disruptive. In summary, the available evidence is currently insufficient to determine the role of this variant in disease. Therefore, it has been classified as a Variant of Uncertain Significance.

NM_001369268.1(ACAN):c.7158T>G (p.Cys2386Trp)

Gene: ACAN (aggrecan; plus strand). Cytogenetic location: 15q26.1.
Variant type: single nucleotide variant.
Coding change: c.7158T>G on transcript NM_001369268.1 (MANE Select); coding-DNA position 7158, T replaced by G.
Protein change: p.Cys2386Trp; replaces cysteine 2386 with tryptophan.
Molecular consequence: missense variant.
Genome position (GRCh38, 1-based): chr15:88,871,479, T>G. VCF-style: chr15-88871479-T-G. GRCh37 (hg19) VCF-style: chr15-89414710-T-G.
Other names: c.6930T>G, p.Cys2310Trp (NM_001135.4, NM_001411096.1); c.7044T>G, p.Cys2348Trp (NM_001411097.1, NM_013227.4); short protein forms C2310W, C2348W, C2386W.
Identifiers: ClinVar variation 2767309 (VCV002767309.3), dbSNP rs1443099251, ClinGen allele CA393729658.